The following is an entry in ClinVar:

ClinVar aggregate classification (germline): Uncertain significance. Review status: criteria provided, multiple submitters, no conflicts (2 of 4 stars). 2 submissions from 2 submitters: Uncertain significance (2). Last evaluated 2024-11-21.

Conditions:
TNRC6B-related disorder. Also called: TNRC6B-related condition.
Global developmental delay with speech and behavioral abnormalities. Identifiers: MedGen C5543226, MONDO:0030995, OMIM 619243.

Allele frequency attached by ClinVar (database versions not stated): gnomAD exomes 0.00001; ExAC 0.00002; gnomAD 0.00003; TOPMed 0.00003; ESP Exome Variant Server 0.00008.
gnomAD v4.1: 23 of 1,609,256 alleles (0.0014%); highest among the groups gnomAD compares: Non-Finnish European, 0.0019%; no homozygotes.

Submissions (2):

PreventionGenetics, part of Exact Sciences
Classification: Uncertain significance for TNRC6B-related condition. Last evaluated: 2024-11-21. Review status: criteria provided, single submitter. Criteria: ACMG Guidelines, 2015. Collection method: clinical testing. Allele origin: germline.
Comment: The TNRC6B c.4402G>A variant is predicted to result in the amino acid substitution p.Gly1468Arg. To our knowledge, this variant has not been reported in the literature. This variant is reported in 0.0032% of alleles in individuals of European (Non-Finnish) descent in gnomAD. At this time, the clinical significance of this variant is uncertain due to the absence of conclusive functional and genetic evidence.

Clinical Genomics Laboratory, Washington University in St. Louis
Classification: Uncertain significance for Global developmental delay with speech and behavioral abnormalities. Last evaluated: 2023-07-28. Review status: criteria provided, single submitter. Criteria: ACMG Guidelines, 2015. Collection method: clinical testing. Allele origin: germline.
Comment: The TNRC6B c.4402G>A (p.Gly1468Arg) variant, to our knowledge, has not been reported in the medical literature and is only observed on 4/274,930 alleles in the general population (gnomAD v.2.1.1), indicating it is not a common variant. This codon does not occur in a known functional domain and the variant substitutes an uncharged glycine for a positively charged arginine, but computational predictors are uncertain as to the impact of this variant on TNRC6B function. However, a nearby missense variant, (p.Val1357Glu), has been described in an affected individual and is considered pathogenic (Granadillo JL et al., PMID: 32152250). Due to limited information, and based on ACMG/AMP guidelines for variant interpretation (Richards S et al., PMID: 25741868), the clinical significance of this variant is uncertain at this time.

NM_001162501.2(TNRC6B):c.4402G>A (p.Gly1468Arg)

Gene: TNRC6B (trinucleotide repeat containing adaptor 6B; plus strand). Cytogenetic location: 22q13.1.
Variant type: single nucleotide variant.
Coding change: c.4402G>A on transcript NM_001162501.2 (MANE Select); coding-DNA position 4402, G replaced by A.
Protein change: p.Gly1468Arg; replaces glycine 1468 with arginine.
Molecular consequence: missense variant.
Genome position (GRCh38, 1-based): chr22:40,310,960, G>A. VCF-style: chr22-40310960-G-A. GRCh37 (hg19) VCF-style: chr22-40706964-G-A.
Other names: c.1990G>A, p.Gly664Arg (NM_001024843.2); c.4072G>A, p.Gly1358Arg (NM_015088.3); c.4402G>A (NM_001162501.1); short protein forms G1358R, G1468R, G664R.
Identifiers: ClinVar variation 2672191 (VCV002672191.2), dbSNP rs370876244, ClinGen allele CA10247289.